The following is an entry in ClinVar:

ClinVar aggregate classification (germline): Pathogenic/Likely pathogenic. Review status: criteria provided, multiple submitters, no conflicts (2 of 4 stars). 9 submissions from 9 submitters: Pathogenic (5); Likely pathogenic (2). 2 of the submissions do not count toward it. Last evaluated 2025-12-31.

Conditions:
Phenylketonuria (PKU). Also called: FOLLING DISEASE; Phenylketonurias; OLIGOPHRENIA PHENYLPYRUVICA; Phenylketonuria (PKU). Identifiers: Orphanet 716, MedGen C0031485, MONDO:0009861, OMIM 261600. Disease mechanism: loss of function.

Allele frequency attached by ClinVar (database versions not stated): TOPMed below 0.00001; gnomAD 0.00001; gnomAD exomes 0.00001.
gnomAD v4.1: 4 of 1,613,152 alleles (0.00025%); highest among the groups gnomAD compares: Admixed American, 0.0017%; no homozygotes.

Submissions (9):

Dasa
Classification: Pathogenic. Last evaluated: 2025-12-31. Review status: criteria provided, single submitter. Criteria: DASA Assertion Criteria. Collection method: clinical testing. Allele origin: germline.
Comment: NM_000277.3(PAH):c.1199+17G>A introduces a premature termination codon predicted to result in loss of normal protein function. Loss-of-function is an established mechanism of disease for this gene. This variant has been observed in affected individuals with related phenotype in a genotype context consistent with recessive disease (PMID: 11139255; PMID: 29749107; PMID: 30829006; PMID: 29684050). Functional evidence supports a deleterious effect on the gene or gene product (PMID: 11139255; PMID: 29749107; PMID: 30829006; PMID: 29684050). This variant has been recurrently observed in individuals with related phenotype (PMID: 11139255; PMID: 29749107; PMID: 30829006; PMID: 29684050). The variant is present at low frequency in population datasets. Based on the available data, this variant is classified as pathogenic.

Natera, Inc.
Classification: Pathogenic for Phenylketonuria. Last evaluated: 2025-12-16. Review status: criteria provided, single submitter. Criteria: Natera Variant Classification Schema (03/2026). Collection method: clinical testing. Allele origin: germline.
Comment: The c.1199+17G>A variant in PAH is an intronic variant located outside the canonical splice sites. This variant is rare in the general population with a frequency below the threshold expected for the associated phenotype(s). This variant has been observed in one or more individuals affected with the associated recessive disease, as either homozygous or compound heterozygous with a second variant (PMID: 30829006). Given the available evidence, this variant is classified as Pathogenic.

GeneDx
Classification: Pathogenic. Last evaluated: 2025-12-01. Review status: criteria provided, single submitter. Criteria: GeneDx Variant Classification Process June 2021. Collection method: clinical testing. Allele origin: germline. Affected: yes.
Comment: Published RNA studies demonstrate aberrant splicing (PMID: 29684050); Not observed at significant frequency in large population cohorts (gnomAD); This variant is associated with the following publications: (PMID: 11139255, 31589614, 32668217, 30829006, 29684050)

Labcorp Genetics (formerly Invitae), Labcorp
Classification: Pathogenic for Phenylketonuria. Last evaluated: 2025-12-01. Review status: criteria provided, single submitter. Criteria: Invitae Variant Classification Sherloc (09022015). Collection method: clinical testing. Allele origin: germline.
Comment: This sequence change falls in intron 11 of the PAH gene. It does not directly change the encoded amino acid sequence of the PAH protein. This variant is not present in population databases (gnomAD no frequency). This variant has been observed in individual(s) with hyperphenylalaninemia (PMID: 11139255, 30829006; internal data). This variant is also known as IVS11+17G>A. ClinVar contains an entry for this variant (Variation ID: 102555). Algorithms developed to predict the effect of sequence changes on RNA splicing suggest that this variant is not likely to affect RNA splicing. For these reasons, this variant has been classified as Pathogenic.

CeGaT Center for Human Genetics Tuebingen
Classification: Pathogenic. Last evaluated: 2024-03-01. Review status: criteria provided, single submitter. Criteria: CeGaT Center For Human Genetics Tuebingen Variant Classification Criteria Version 2. Collection method: clinical testing. Allele origin: germline. Affected: yes. Observed: 1 variant allele.
Comment: PAH: PM3:Very Strong, PM2, PS3:Supporting

Unidade de Bioquimica Genetica, Centro Hospitalar do Porto
Classification: Likely pathogenic for Phenylketonuria. Last evaluated: 2017-11-10. Review status: criteria provided, single submitter. Criteria: ACMG Guidelines, 2015. Collection method: clinical testing. Allele origin: germline. Inheritance: Autosomal recessive inheritance. Affected: yes. Observed: 4 variant alleles, 4 compound heterozygotes. Clinical features observed: Reduced phenylalanine hydroxylase level, Hyperphenylalaninemia, Atypical hyperphenylalaninemia.
Comment: The variant was observed in four patients, two with a diagnosis of phenylketonuria (PKU) and the other two with a diagnosis of mild hyperphenylalaninemia (MHP). In the two PKU patients, the variant was found in compound heterozygosity with IVS10-11G>A (c.1066-11G>A), in intron 10, and c.250G>T (p.D84Y), in exon 3. Meanwhile, in the two MHP patients, it was found with IVS2+5G>C (c.168+5G>C), in intron 2, and c.754C>T (p.R252W), in exon 7. In silico analysis in Human Splicing Finder showed that it activates an intronic cryptic acceptor site, which potentially alters splicing.

Eurofins Ntd Llc (ga)
Classification: Likely pathogenic. Last evaluated: 2016-04-29. Review status: criteria provided, single submitter. Criteria: EGL Classification Definitions 2015. Collection method: clinical testing. Allele origin: germline. Observed: 2 variant alleles, 2 heterozygotes.

Counsyl
Classification: Likely pathogenic for Phenylketonuria. Last evaluated: 2018-04-17. Review status: no assertion criteria provided. Collection method: clinical testing. Allele origin: unknown. Not counted in ClinVar's aggregate classification.

DeBelle Laboratory for Biochemical Genetics, MUHC/MCH RESEARCH INSTITUTE
No classification provided. Review status: no classification provided. Collection method: not provided. Allele origin: not provided. Not counted in ClinVar's aggregate classification.

Literature cited by the submitters: PubMed 11139255 (cited by 3 submitters); PubMed 29749107 (cited by Dasa); PubMed 30829006 (cited by 3 submitters); PubMed 29684050 (cited by Dasa); PubMed 11180595 (cited by Unidade de Bioquimica Genetica, Centro Hospitalar do Porto); PubMed 23942198 (cited by Counsyl).

NM_000277.3(PAH):c.1199+17G>A

Gene: PAH (phenylalanine hydroxylase; minus strand). Cytogenetic location: 12q23.2.
Variant type: single nucleotide variant.
Coding change: c.1199+17G>A on transcript NM_000277.3 (MANE Select); 17 bases into the intron after coding-DNA position 1199, G replaced by A.
Molecular consequence: intron variant.
Genome position (GRCh38, 1-based): chr12:102,843,629, C>T on the plus strand (G>A on the coding strand, the complement: PAH is on the minus strand). VCF-style: chr12-102843629-C-T. GRCh37 (hg19) VCF-style: chr12-103237407-C-T.
Other names: c.1199+17G>A (NM_001354304.2).
Identifiers: ClinVar variation 102555 (VCV000102555.44), dbSNP rs62508613, ClinGen allele CA229384.